The following is an entry in ClinVar:

NM_001035.3(RYR2):c.211C>A (p.Gln71Lys)

Gene: RYR2 (ryanodine receptor 2; plus strand). Cytogenetic location: 1q43.
Variant type: single nucleotide variant.
Coding change: c.211C>A on transcript NM_001035.3 (MANE Select); coding-DNA position 211, C replaced by A.
Protein change: p.Gln71Lys; replaces glutamine 71 with lysine.
Molecular consequence: missense variant.
Genome position (GRCh38, 1-based): chr1:237,330,920, C>A. VCF-style: chr1-237330920-C-A. GRCh37 (hg19) VCF-style: chr1-237494220-C-A.
Other names: short protein forms Q71K.
Identifiers: ClinVar variation 4863733 (VCV004863733.1).

ClinVar aggregate classification (germline): Uncertain significance (1 of 4 stars; one submission).

Conditions:
Cardiovascular phenotype. Identifiers: MedGen CN230736.

Submission:

Ambry Genetics
Classification: Uncertain significance for Cardiovascular phenotype. Last evaluated: 2026-06-06. Review status: criteria provided, single submitter. Criteria: Ambry Variant Classification Scheme 2023. Collection method: clinical testing. Allele origin: germline.
Comment: The p.Q71K variant (also known as c.211C>A), located in coding exon 3 of the RYR2 gene, results from a C to A substitution at nucleotide position 211. The glutamine at codon 71 is replaced by lysine, an amino acid with similar properties. This amino acid position is conserved. In addition, this alteration is predicted to be deleterious by in silico analysis. Based on the available evidence, the clinical significance of this variant remains unclear.